The following is an entry in ClinVar:

NM_003334.4(UBA1):c.76G>A (p.Ala26Thr)

Genes: UBA1 (ubiquitin like modifier activating enzyme 1; plus strand), LOC126863253 (CDK7 strongly-dependent group 2 enhancer GRCh37_chrX:47057593-47058792; plus strand). Cytogenetic location: Xp11.3.
Variant type: single nucleotide variant.
Coding change: c.76G>A on transcript NM_003334.4 (MANE Select); coding-DNA position 76, G replaced by A.
Protein change: p.Ala26Thr; replaces alanine 26 with threonine.
Molecular consequence: missense variant.
Genome position (GRCh38, 1-based): chrX:47,198,878, G>A. VCF-style: chrX-47198878-G-A. GRCh37 (hg19) VCF-style: chrX-47058277-G-A.
Other names: c.76G>A, p.Ala26Thr (NM_153280.3); short protein forms A26T.
Identifiers: ClinVar variation 2785221 (VCV002785221.3), dbSNP rs1556786431, ClinGen allele CA412786396.

ClinVar aggregate classification (germline): Uncertain significance (1 of 4 stars; one submission).

Conditions:
Infantile-onset X-linked spinal muscular atrophy. Also called: SPINAL MUSCULAR ATROPHY, X-LINKED LETHAL INFANTILE; Spinal muscular atrophy, X-linked 2; AMC, DISTAL, X-LINKED; ARTHROGRYPOSIS, X-LINKED, TYPE I; Spinal Muscular Atrophy, X-Linked Infantile. Identifiers: Orphanet 1145, MedGen C1844934, MONDO:0010532, OMIM 301830.

Allele frequency attached by ClinVar (database versions not stated): gnomAD exomes below 0.00001; TOPMed 0.00001.
gnomAD v4.1: 2 of 1,212,048 alleles (0.00017%); highest among the groups gnomAD compares: Non-Finnish European, 0.00022%; no homozygotes.

Submission:

Labcorp Genetics (formerly Invitae), Labcorp
Classification: Uncertain significance for Infantile-onset X-linked spinal muscular atrophy. Last evaluated: 2023-04-05. Review status: criteria provided, single submitter. Criteria: Invitae Variant Classification Sherloc (09022015). Collection method: clinical testing. Allele origin: germline.
Comment: This variant is present in population databases (no rsID available, gnomAD 0.001%). This sequence change replaces alanine, which is neutral and non-polar, with threonine, which is neutral and polar, at codon 26 of the UBA1 protein (p.Ala26Thr). In summary, the available evidence is currently insufficient to determine the role of this variant in disease. Therefore, it has been classified as a Variant of Uncertain Significance. Algorithms developed to predict the effect of missense changes on protein structure and function output the following: SIFT: "Not Available"; PolyPhen-2: "Benign"; Align-GVGD: "Not Available". The threonine amino acid residue is found in multiple mammalian species, which suggests that this missense change does not adversely affect protein function. This variant has not been reported in the literature in individuals affected with UBA1-related conditions.